The following is an entry in ClinVar:

NM_006031.6(PCNT):c.9331C>T (p.Arg3111Cys)

Gene: PCNT (pericentrin; plus strand). Cytogenetic location: 21q22.3.
Variant type: single nucleotide variant.
Coding change: c.9331C>T on transcript NM_006031.6 (MANE Select); coding-DNA position 9331, C replaced by T.
Protein change: p.Arg3111Cys; replaces arginine 3111 with cysteine.
Molecular consequence: missense variant.
Genome position (GRCh38, 1-based): chr21:46,440,140, C>T. VCF-style: chr21-46440140-C-T. GRCh37 (hg19) VCF-style: chr21-47860053-C-T.
Other names: c.8740C>T, p.Arg2914Cys (NM_001315529.2); short protein forms R3111C, R2914C.
Identifiers: ClinVar variation 436275 (VCV000436275.10), dbSNP rs1007600831, ClinGen allele CA322027276.

ClinVar aggregate classification (germline): Uncertain significance. Review status: criteria provided, multiple submitters, no conflicts (2 of 4 stars). 4 submissions from 4 submitters: Uncertain significance (3). 1 of the submissions does not count toward it. Last evaluated 2024-06-06.

Conditions:
Microcephalic osteodysplastic primordial dwarfism type II (MOPD2). Also called: Microcephalic osteodysplastic primordial dwarfism with tooth abnormalities; MOPD II; OSTEODYSPLASTIC PRIMORDIAL DWARFISM, TYPE II. Identifiers: Orphanet 2637, MedGen C0432246, MONDO:0008872, OMIM 210720.
PCNT-related disorder. Also called: PCNT-related condition.

Allele frequency attached by ClinVar (database versions not stated): gnomAD exomes 0.00001; gnomAD 0.00004 and 0.00005; TOPMed 0.00005.
gnomAD v4.1: 20 of 1,613,884 alleles (0.0012%); highest among the groups gnomAD compares: African/African-American, 0.0093%; no homozygotes.

Submissions (4):

Fulgent Genetics
Classification: Uncertain significance for Microcephalic osteodysplastic primordial dwarfism type II. Last evaluated: 2024-06-06. Review status: criteria provided, single submitter. Criteria: ACMG Guidelines, 2015. Collection method: clinical testing. Allele origin: germline.

Labcorp Genetics (formerly Invitae), Labcorp
Classification: Uncertain significance. Last evaluated: 2024-01-05. Review status: criteria provided, single submitter. Criteria: Invitae Variant Classification Sherloc (09022015). Collection method: clinical testing. Allele origin: germline.
Comment: This sequence change replaces arginine, which is basic and polar, with cysteine, which is neutral and slightly polar, at codon 3111 of the PCNT protein (p.Arg3111Cys). This variant is present in population databases (no rsID available, gnomAD 0.01%). This variant has not been reported in the literature in individuals affected with PCNT-related conditions. ClinVar contains an entry for this variant (Variation ID: 436275). An algorithm developed to predict the effect of missense changes on protein structure and function (PolyPhen-2) suggests that this variant¬†is likely to be tolerated. In summary, the available evidence is currently insufficient to determine the role of this variant in disease. Therefore, it has been classified as a Variant of Uncertain Significance.

Genetic Services Laboratory, University of Chicago
Classification: Uncertain significance. Last evaluated: 2015-11-17. Review status: criteria provided, single submitter. Criteria: ACMG Guidelines, 2015. Collection method: clinical testing. Allele origin: germline. Affected: no.

PreventionGenetics, part of Exact Sciences
Classification: Uncertain significance for PCNT-related condition. Last evaluated: 2023-11-13. Review status: no assertion criteria provided. Collection method: clinical testing. Allele origin: germline. Not counted in ClinVar's aggregate classification.
Comment: The PCNT c.9331C>T variant is predicted to result in the amino acid substitution p.Arg3111Cys. To our knowledge, this variant has not been reported in the literature. This variant is reported in 0.011% of alleles in individuals of African descent in gnomAD. At this time, the clinical significance of this variant is uncertain due to the absence of conclusive functional and genetic evidence.